The following is an entry in ClinVar:

ClinVar aggregate classification (germline): Likely pathogenic. Review status: criteria provided, multiple submitters, no conflicts (2 of 4 stars). 2 submissions from 2 submitters: Likely pathogenic (2). Last evaluated 2022-06-27.

Conditions:
Familial thoracic aortic aneurysm and aortic dissection (TAAD). Also called: Thoracic aortic aneurysms and dissections. Identifiers: Orphanet 91387, MedGen C4707243, MONDO:0019625.
Marfan syndrome (MFS). Also called: MARFAN SYNDROME, TYPE I; Marfan syndrome type 1; Marfan's syndrome; Marfan syndrome, classic; FBN1-Related Marfan Syndrome. Identifiers: Orphanet 284963, Orphanet 558, MedGen C0024796, MONDO:0007947, OMIM 154700.

Submissions (2):

Ambry Genetics
Classification: Likely pathogenic for Familial thoracic aortic aneurysm and aortic dissection. Last evaluated: 2022-06-27. Review status: criteria provided, single submitter. Criteria: Ambry Variant Classification Scheme 2023. Collection method: clinical testing. Allele origin: germline.
Comment: The p.C2070Y variant (also known as c.6209G>A), located in coding exon 50 of the FBN1 gene, results from a G to A substitution at nucleotide position 6209. The cysteine at codon 2070 is replaced by tyrosine, an amino acid with highly dissimilar properties, and is located in the TGFBP #06 domain. This variant has been reported in individuals with phenotypes consistent with Marfan syndrome (Ambry internal data; Invitae pers. comm.). The majority of FBN1 mutations identified to date have involved the substitution or generation of cysteine residues within cbEGF domains (Vollbrandt T et al. J Biol Chem. 2004;279(31):32924-32931). Based on internal structural assessment, this alteration eliminates a structurally critical disulfide bond in the structurally sensitive TGFBP #06 domain. This variant is considered to be rare based on population cohorts in the Genome Aggregation Database (gnomAD). This amino acid position is highly conserved in available vertebrate species. In addition, this alteration is predicted to be deleterious by in silico analysis. Based on the majority of available evidence to date, this variant is likely to be pathogenic.

Labcorp Genetics (formerly Invitae), Labcorp
Classification: Likely pathogenic for Marfan syndrome; Familial thoracic aortic aneurysm and aortic dissection. Last evaluated: 2022-05-14. Review status: criteria provided, single submitter. Criteria: Invitae Variant Classification Sherloc (09022015). Collection method: clinical testing. Allele origin: germline.
Comment: In summary, the currently available evidence indicates that the variant is pathogenic, but additional data are needed to prove that conclusively. Therefore, this variant has been classified as Likely Pathogenic. This variant affects a cysteine residue in the EGF-like, TGFBP or hybrid motif domains of FBN1. Cysteine residues are believed to be involved in intramolecular disulfide bridges and have been shown to be important for FBN1 protein structure (PMID: 16905551, 19349279). In addition, missense substitutions affecting cysteine residues within these domains are significantly overrepresented among patients with Marfan syndrome (PMID: 16571647, 17701892). Advanced modeling of protein sequence and biophysical properties (such as structural, functional, and spatial information, amino acid conservation, physicochemical variation, residue mobility, and thermodynamic stability) performed at Invitae indicates that this missense variant is expected to disrupt FBN1 protein function. This variant has not been reported in the literature in individuals affected with FBN1-related conditions. This variant is not present in population databases (gnomAD no frequency). This sequence change replaces cysteine, which is neutral and slightly polar, with tyrosine, which is neutral and polar, at codon 2070 of the FBN1 protein (p.Cys2070Tyr).

Literature cited by the submitters: PubMed 16905551 (cited by Labcorp Genetics (formerly Invitae), Labcorp); PubMed 19349279 (cited by Labcorp Genetics (formerly Invitae), Labcorp); PubMed 16571647 (cited by Labcorp Genetics (formerly Invitae), Labcorp); PubMed 17701892 (cited by Labcorp Genetics (formerly Invitae), Labcorp).

NM_000138.5(FBN1):c.6209G>A (p.Cys2070Tyr)

Gene: FBN1 (fibrillin 1; minus strand). Cytogenetic location: 15q21.1.
Variant type: single nucleotide variant.
Coding change: c.6209G>A on transcript NM_000138.5 (MANE Select); coding-DNA position 6209, G replaced by A.
Protein change: p.Cys2070Tyr; replaces cysteine 2070 with tyrosine.
Molecular consequence: missense variant.
Genome position (GRCh38, 1-based): chr15:48,437,872, C>T on the plus strand (G>A on the coding strand, the complement: FBN1 is on the minus strand). VCF-style: chr15-48437872-C-T. GRCh37 (hg19) VCF-style: chr15-48730069-C-T.
Other names: short protein forms C2070Y.
Identifiers: ClinVar variation 1525423 (VCV001525423.8), dbSNP rs1060501044, ClinGen allele CA392337145.